The following is an entry in ClinVar:

ClinVar aggregate classification (germline): Likely pathogenic (1 of 4 stars; one submission).

Conditions:
Creatine transporter deficiency (CCDS1). Also called: CEREBRAL CREATINE DEFICIENCY SYNDROME 1; Mental retardation , X-linked with seizures, short stature and midface hypoplasia; Mental retardation , X-linked, with creatine transport deficiency; X-linked creatine transporter deficiency; X-linked creatine deficiency syndrome; SLC6A8-Related Creatine Transporter Deficiency. Identifiers: Orphanet 52503, MedGen C1845862, MONDO:0010305, OMIM 300352.

Submission:

Variantyx, Inc.
Classification: Likely pathogenic for Creatine transporter deficiency. Last evaluated: 2025-10-16. Review status: criteria provided, single submitter. Criteria: Variantyx Assertion Criteria 2022. Collection method: clinical testing. Allele origin: maternal. Inheritance: X-linked recessive inheritance.
Comment: This is a frameshift variant in the SLC6A8 gene (OMIM: 300036). Pathogenic variants in this gene have been associated with X-linked cerebral creatine deficiency syndrome 1. This variant introduces a premature termination codon in exon 1 out of 13 and is expected to result in loss of function, which is a known disease mechanism for SLC6A8 in this disorder (PMID: 29478817, 23660394, 23644449) (PVS1). This variant has been reported in at least one affected individual (PMID:26637798), and is absent from control populations (PM2). Based on the current evidence, this variant is classified as likely pathogenic for X-linked cerebral creatine deficiency syndrome 1.

Literature cited by the submitters: PubMed 29478817; PubMed 23660394; PubMed 23644449; PubMed 26637798.

NM_005629.4(SLC6A8):c.205del (p.Ala69fs)

Gene: SLC6A8 (solute carrier family 6 member 8; plus strand). Cytogenetic location: Xq28.
Variant type: Deletion.
Coding change: c.205del on transcript NM_005629.4 (MANE Select); coding-DNA position 205, one base deleted (G; older notation c.205delG).
Protein change: p.Ala69fs; shifts the reading frame from alanine 69.
Molecular consequence: frameshift variant.
Genome position (GRCh38, 1-based): chrX:153,688,779, G deleted. VCF-style (leftmost placement, unchanged base first): chrX-153688778-CG-C. GRCh37 (hg19) VCF-style: chrX-152954233-CG-C.
Other names: c.205del, p.Ala69fs (NM_001142805.2); short protein forms A69fs.
Identifiers: ClinVar variation 4795940 (VCV004795940.1).